The following is an entry in ClinVar:

NM_003978.5(PSTPIP1):c.838+31C>G

Gene: PSTPIP1 (proline-serine-threonine phosphatase interacting protein 1; plus strand). Cytogenetic location: 15q24.3.
Variant type: single nucleotide variant.
Coding change: c.838+31C>G on transcript NM_003978.5 (MANE Select); 31 bases into the intron after coding-DNA position 838, C replaced by G.
Molecular consequence: intron variant. On other transcripts: missense variant (1).
Genome position (GRCh38, 1-based): chr15:77,032,425, C>G. VCF-style: chr15-77032425-C-G. GRCh37 (hg19) VCF-style: chr15-77324766-C-G.
Other names: c.869C>G, p.Ser290Cys (NM_001321135.2); c.1033+31C>G (NM_001321137.1); c.811+31C>G (NM_001321136.2); c.838+31C>G (LRG_172t1); short protein forms S290C.
Identifiers: ClinVar variation 516427 (VCV000516427.2), dbSNP rs545108125, ClinGen allele CA7676008.

ClinVar aggregate classification (germline): Likely benign. Review status: criteria provided, multiple submitters, no conflicts (2 of 4 stars). 2 submissions from 2 submitters: Likely benign (2). Last evaluated 2022-04-14.

Allele frequency attached by ClinVar (database versions not stated): gnomAD exomes 0.00003 and 0.00018; gnomAD 0.00004 and 0.00005; TOPMed 0.00009; 1000 Genomes Project 30x 0.00016; ExAC 0.00016; 1000 Genomes Project 0.00020.
gnomAD v4.1: 53 of 1,606,796 alleles (0.0033%); highest among the groups gnomAD compares: East Asian, 0.11%; no homozygotes.

Submissions (2):

Blueprint Genetics
Classification: Likely benign. Last evaluated: 2022-04-14. Review status: criteria provided, single submitter. Criteria: ACMG Guidelines, 2015. Collection method: clinical testing. Allele origin: germline.

GeneDx
Classification: Likely benign. Last evaluated: 2017-07-07. Review status: criteria provided, single submitter. Criteria: GeneDx Variant Classification (06012015). Collection method: clinical testing. Allele origin: germline. Affected: yes.
Comment: This variant is considered likely benign or benign based on one or more of the following criteria: it is a conservative change, it occurs at a poorly conserved position in the protein, it is predicted to be benign by multiple in silico algorithms, and/or has population frequency not consistent with disease.